The following is an entry in ClinVar:

NM_001013703.4(EIF2AK4):c.2249+7G>A

Gene: EIF2AK4 (eukaryotic translation initiation factor 2 alpha kinase 4; plus strand). Cytogenetic location: 15q15.1.
Variant type: single nucleotide variant.
Coding change: c.2249+7G>A on transcript NM_001013703.4 (MANE Select); 7 bases into the intron after coding-DNA position 2249, G replaced by A.
Molecular consequence: intron variant.
Genome position (GRCh38, 1-based): chr15:39,976,851, G>A. VCF-style: chr15-39976851-G-A. GRCh37 (hg19) VCF-style: chr15-40269052-G-A.
Identifiers: ClinVar variation 381180 (VCV000381180.31), dbSNP rs34298786, ClinGen allele CA7473959.

ClinVar aggregate classification (germline): Benign. Review status: criteria provided, multiple submitters, no conflicts (2 of 4 stars). 7 submissions from 7 submitters: Benign (7). Last evaluated 2026-02-03.

Conditions:
Familial pulmonary capillary hemangiomatosis (PVOD2). Also called: Pulmonary venoocclusive disease 2, autosomal recessive; Pulmonary venoocclusive disease 2. Identifiers: Orphanet 199241, MedGen C0340848, MONDO:0009329, OMIM 234810.

Allele frequency attached by ClinVar (database versions not stated): 1000 Genomes Project 0.28714; 1000 Genomes Project 30x 0.29107; ESP Exome Variant Server 0.33614; gnomAD 0.34203; TOPMed 0.34712.
gnomAD v4.1: 513,125 of 1,497,880 alleles (34%); highest among the groups gnomAD compares: Middle Eastern, 38%; 89,125 homozygotes.

Submissions (7):

Labcorp Genetics (formerly Invitae), Labcorp
Classification: Benign. Last evaluated: 2026-02-03. Review status: criteria provided, single submitter. Criteria: Invitae Variant Classification Sherloc (09022015). Collection method: clinical testing. Allele origin: germline.

ARUP Laboratories, Molecular Genetics and Genomics, ARUP Laboratories
Classification: Benign for Familial pulmonary capillary hemangiomatosis. Last evaluated: 2025-07-03. Review status: criteria provided, single submitter. Criteria: ARUP Molecular Germline Variant Investigation Process 2024. Collection method: clinical testing. Allele origin: germline.

Blueprint Genetics
Classification: Benign. Last evaluated: 2024-11-27. Review status: criteria provided, single submitter. Criteria: ACMG Guidelines, 2015. Collection method: clinical testing. Allele origin: germline.

Genome-Nilou Lab
Classification: Benign for Familial pulmonary capillary hemangiomatosis. Last evaluated: 2021-07-30. Review status: criteria provided, single submitter. Criteria: ACMG Guidelines, 2015. Collection method: clinical testing. Allele origin: germline. Affected: no.

GeneDx
Classification: Benign. Last evaluated: 2016-11-03. Review status: criteria provided, single submitter. Criteria: GeneDx Variant Classification (06012015). Collection method: clinical testing. Allele origin: germline. Affected: yes.
Comment: This variant is considered likely benign or benign based on one or more of the following criteria: it is a conservative change, it occurs at a poorly conserved position in the protein, it is predicted to be benign by multiple in silico algorithms, and/or has population frequency not consistent with disease.

Laboratory for Molecular Medicine, Mass General Brigham Personalized Medicine
Classification: Benign. Last evaluated: 2016-03-28. Review status: criteria provided, single submitter. Criteria: LMM Criteria. Collection method: clinical testing. Allele origin: germline.
Comment: Variant identified in a genome or exome case(s) and assessed due to predicted null impact of the variant or pathogenic assertions in the literature or databases. Disclaimer: This variant has not undergone full assessment. The following are preliminary notes: Frequency

Breakthrough Genomics
Classification: Benign. Review status: criteria provided, single submitter. Criteria: ACMG Guidelines, 2015. Collection method: not provided. Allele origin: germline. Inheritance: Autosomal recessive inheritance. Affected: yes.